The following is an entry in ClinVar:

NM_001365088.1(SLC12A6):c.73A>G (p.Ile25Val)

Gene: SLC12A6 (solute carrier family 12 member 6; minus strand). Cytogenetic location: 15q14.
Variant type: single nucleotide variant.
Coding change: c.73A>G on transcript NM_001365088.1 (MANE Select); coding-DNA position 73, A replaced by G.
Protein change: p.Ile25Val; replaces isoleucine 25 with valine.
Molecular consequence: missense variant. On other transcripts: intron variant (2).
Genome position (GRCh38, 1-based): chr15:34,336,608, T>C on the plus strand (A>G on the coding strand, the complement: SLC12A6 is on the minus strand). VCF-style: chr15-34336608-T-C. GRCh37 (hg19) VCF-style: chr15-34628809-T-C.
Other names: c.46A>G, p.Ile16Val (NM_001042496.2); c.73A>G, p.Ile25Val (NM_001042497.2, NM_133647.2); c.-98-7A>G (NM_001042495.2, NM_001042494.2); short protein forms I25V, I16V.
Identifiers: ClinVar variation 450438 (VCV000450438.3), dbSNP rs1370247909, ClinGen allele CA391621754.
Genomic context (GRCh38, chr15:34,336,608, plus strand): 5'-ATCTTACTCGGGAACTAGATCGAGAGCTGAGGTCCGGACTGGTGTCTGACAAACCTGGAA[T>C]GTCATCGATCTTTGTCGGTGTCACCATGAACCGAACTGAAGCCATCTTGGTGGTGGTTTC-3'
Protein context (NP_001352017.1, residues 15-35): FMVTPTKIDD[Ile25Val]PGLSDTSPDL

ClinVar aggregate classification (germline): Uncertain significance (1 of 4 stars; one submission).

Allele frequency attached by ClinVar (database versions not stated): gnomAD exomes below 0.00001; TOPMed 0.00001 and below 0.00001; gnomAD 0.00001.
gnomAD v4.1: 9 of 1,613,514 alleles (0.00056%); highest among the groups gnomAD compares: Non-Finnish European, 0.00076%; no homozygotes.

Submission:

GeneDx
Classification: Uncertain significance. Last evaluated: 2023-03-29. Review status: criteria provided, single submitter. Criteria: GeneDx Variant Classification Process June 2021. Collection method: clinical testing. Allele origin: germline. Affected: yes.
Comment: In silico analysis supports that this missense variant does not alter protein structure/function; Has not been previously published as pathogenic or benign to our knowledge